The following is an entry in ClinVar:

NM_001127222.2(CACNA1A):c.3545T>C (p.Val1182Ala)

Gene: CACNA1A (calcium voltage-gated channel subunit alpha1 A; minus strand). Cytogenetic location: 19p13.13.
Variant type: single nucleotide variant.
Coding change: c.3545T>C on transcript NM_001127222.2 (MANE Select); coding-DNA position 3545, T replaced by C.
Protein change: p.Val1182Ala; replaces valine 1182 with alanine.
Molecular consequence: missense variant.
Genome position (GRCh38, 1-based): chr19:13,286,511, A>G on the plus strand (T>C on the coding strand, the complement: CACNA1A is on the minus strand). VCF-style: chr19-13286511-A-G. GRCh37 (hg19) VCF-style: chr19-13397325-A-G.
Other names: c.3557T>C, p.Val1186Ala (NM_000068.4, NM_023035.3); c.3548T>C, p.Val1183Ala (NM_001127221.2, NM_001174080.2); short protein forms V1186A, V1182A, V1183A.
Identifiers: ClinVar variation 2924105 (VCV002924105.3), dbSNP rs2057402379, ClinGen allele CA404341157.

ClinVar aggregate classification (germline): Uncertain significance (1 of 4 stars; one submission).

Conditions:
Developmental and epileptic encephalopathy, 42 (DEE42A). Also called: DEVELOPMENTAL AND EPILEPTIC ENCEPHALOPATHY 42A; EPILEPTIC ENCEPHALOPATHY, EARLY INFANTILE, 42A; Epileptic encephalopathy, early infantile, 42. Identifiers: MedGen C4310716, MONDO:0014917, OMIM 617106.
Episodic ataxia type 2 (EA2). Also called: ACETAZOLAMIDE-RESPONSIVE HEREDITARY PAROXYSMAL CEREBELLAR ATAXIA; ATAXIA, EPISODIC, WITH NYSTAGMUS; ATAXIA, FAMILIAL PAROXYSMAL; CEREBELLAR ATAXIA, PAROXYSMAL, ACETAZOLAMIDE-RESPONSIVE; CEREBELLOPATHY, HEREDITARY PAROXYSMAL; EPISODIC ATAXIA, NYSTAGMUS-ASSOCIATED. Identifiers: Orphanet 97, MedGen C1720416, MONDO:0007163, OMIM 108500.

gnomAD v4.1: 1 of 851,918 alleles (0.00012%); highest among the groups gnomAD compares: South Asian, 0.0016%; no homozygotes.

Submission:

Labcorp Genetics (formerly Invitae), Labcorp
Classification: Uncertain significance for Developmental and epileptic encephalopathy, 42; Episodic ataxia type 2. Last evaluated: 2025-10-02. Review status: criteria provided, single submitter. Criteria: Invitae Variant Classification Sherloc (09022015). Collection method: clinical testing. Allele origin: germline.
Comment: This sequence change replaces valine, which is neutral and non-polar, with alanine, which is neutral and non-polar, at codon 1183 of the CACNA1A protein (p.Val1183Ala). This variant is not present in population databases (gnomAD no frequency). This variant has not been reported in the literature in individuals affected with CACNA1A-related conditions. ClinVar contains an entry for this variant (Variation ID: 2924105). Invitae Evidence Modeling of protein sequence and biophysical properties (such as structural, functional, and spatial information, amino acid conservation, physicochemical variation, residue mobility, and thermodynamic stability) indicates that this missense variant is not expected to disrupt CACNA1A protein function with a negative predictive value of 95%. In summary, the available evidence is currently insufficient to determine the role of this variant in disease. Therefore, it has been classified as a Variant of Uncertain Significance.